The following is an entry in ClinVar:

ClinVar aggregate classification (germline): Uncertain significance (1 of 4 stars; one submission).

Conditions:
Familial colorectal cancer. Identifiers: MedGen CN280943, MONDO:0023113. Disease mechanism: loss of function.

Submission:

Labcorp Genetics (formerly Invitae), Labcorp
Classification: Uncertain significance for Familial colorectal cancer. Last evaluated: 2023-08-14. Review status: criteria provided, single submitter. Criteria: Invitae Variant Classification Sherloc (09022015). Collection method: clinical testing. Allele origin: germline.
Comment: This variant is a copy number gain that occurs in a non-coding region of the GREM1 gene. It does not change the encoded amino acid sequence of the GREM1 protein. Two different tandem duplications (40 kb and 16 kb) spanning the 3' end of the SCG5 gene and the region upstream of the GREM1 gene have been reported in families with hereditary mixed polyposis syndrome (PMID: 22561515, 25992589, 26493165). However, the gain identified in this individual is different from those variants, and therefore the impact of the additional duplicated sequences on GREM1 expression and function has not been established. In summary, the available evidence is currently insufficient to determine the role of this variant in disease. Therefore, it has been classified as a Variant of Uncertain Significance.

Literature cited by the submitters: PubMed 22561515; PubMed 25992589; PubMed 26493165.

NC_000015.9:g.(?_32983891)_(32988830_?)dup

Genes: GREM1 (gremlin 1, DAN family BMP antagonist; plus strand), SCG5 (secretogranin V; plus strand). Cytogenetic location: 15q13.3.
Variant type: Duplication.
Identifiers: ClinVar variation 1411763 (VCV001411763.4).